The following is an entry in ClinVar:

NM_001394998.1(TANC2):c.1902G>A (p.Ser634=)

Gene: TANC2 (tetratricopeptide repeat, ankyrin repeat and coiled-coil containing 2; plus strand). Cytogenetic location: 17q23.3.
Variant type: single nucleotide variant.
Coding change: c.1902G>A on transcript NM_001394998.1 (MANE Select); coding-DNA position 1902, G replaced by A.
Protein change: p.Ser634=; no amino-acid change (serine 634 retained).
Molecular consequence: synonymous variant.
Genome position (GRCh38, 1-based): chr17:63,351,344, G>A. VCF-style: chr17-63351344-G-A. GRCh37 (hg19) VCF-style: chr17-61428705-G-A.
Other names: c.1680G>A, p.Ser560= (NM_001411076.1, NM_025185.4).
Identifiers: ClinVar variation 2648049 (VCV002648049.24), dbSNP rs376981394, ClinGen allele CA8697690.

ClinVar aggregate classification (germline): Likely benign (1 of 4 stars; one submission).

Allele frequency attached by ClinVar (database versions not stated): ExAC 0.00001; gnomAD exomes 0.00001; gnomAD 0.00002; TOPMed 0.00002; ESP Exome Variant Server 0.00008.
gnomAD v4.1: 23 of 1,610,596 alleles (0.0014%); highest among the groups gnomAD compares: East Asian, 0.009%; no homozygotes.

Submission:

CeGaT Center for Human Genetics Tuebingen
Classification: Likely benign. Last evaluated: 2023-03-01. Review status: criteria provided, single submitter. Criteria: CeGaT Center For Human Genetics Tuebingen Variant Classification Criteria Version 2. Collection method: clinical testing. Allele origin: germline. Affected: yes. Observed: 1 variant allele.
Comment: TANC2: BP4, BP7